The following is an entry in ClinVar:

NM_138694.4(PKHD1):c.6896dup (p.Asn2299fs)

Gene: PKHD1 (PKHD1 ciliary IPT domain containing fibrocystin/polyductin; minus strand). Cytogenetic location: 6p12.2.
Variant type: Duplication.
Coding change: c.6896dup on transcript NM_138694.4 (MANE Select); coding-DNA position 6896, one base duplicated (A; older notation c.6896dupA).
Protein change: p.Asn2299fs; shifts the reading frame from asparagine 2299.
Molecular consequence: frameshift variant.
Genome position (GRCh38, 1-based): chr6:51,903,697, T duplicated on the plus strand (A on the coding strand, the reverse complement: PKHD1 is on the minus strand); the first of 3 consecutive T bases (chr6:51,903,697-51,903,699); duplicating any one gives the same sequence. VCF-style (leftmost placement, unchanged base first): chr6-51903696-G-GT. GRCh37 (hg19) VCF-style: chr6-51768494-G-GT.
Other names: c.6896dup, p.Asn2299fs (NM_170724.3); short protein forms N2299fs.
Identifiers: ClinVar variation 5015924 (VCV005015924.1).
Genomic context (GRCh38, chr6:51,903,696, plus strand): 5'-TGGTGTCAACATTTCAGGATTGGAGAGTCCCTCGGCACCAGAAACCTGGATGATCACGTT[G>GT]TTTCTTATTATATTTCCATGTCCTGACCAGTCTAATGTTTCAACAAATCCAGGGGATCCA-3'

ClinVar aggregate classification (germline): Pathogenic (1 of 4 stars; one submission).

Conditions:
Polycystic kidney disease 4 (PKD4). Also called: PKD3; Autosomal Recessive Polycystic Kidney Disease – PKHD1; POLYCYSTIC KIDNEY AND HEPATIC DISEASE 1; POLYCYSTIC KIDNEY DISEASE, INFANTILE, TYPE I; POLYCYSTIC KIDNEY DISEASE 4 WITH OR WITHOUT POLYCYSTIC LIVER DISEASE. Identifiers: MedGen C4540575, MONDO:0033004, OMIM 263200.

Submission:

Myriad Genetics, Inc.
Classification: Pathogenic for Polycystic kidney disease 4. Last evaluated: 2026-05-17. Review status: criteria provided, single submitter. Criteria: Myriad Autosomal Dominant, Autosomal Recessive and X-Linked Classification Criteria (2023). Collection method: clinical testing. Allele origin: unknown.
Comment: NM_138694.3(PKHD1):c.6896dupA(N2299Kfs*17) is expected to be pathogenic in the context of autosomal recessive polycystic kidney disease, PKHD1-related. This variant is predicted to lead to an abnormal or absent protein product due to the creation of a premature termination codon in PKHD1, a gene where loss-of-function variants are known to be pathogenic. Please note: this variant was assessed in the context of healthy population screening.